The following is an entry in ClinVar:

NM_001321967.2(ATAD1):c.94T>G (p.Phe32Val)

Gene: ATAD1 (ATPase family AAA domain containing 1; minus strand). Cytogenetic location: 10q23.31.
Variant type: single nucleotide variant.
Coding change: c.94T>G on transcript NM_001321967.2 (MANE Select); coding-DNA position 94, T replaced by G.
Protein change: p.Phe32Val; replaces phenylalanine 32 with valine.
Molecular consequence: missense variant. On other transcripts: 5 prime UTR variant (1), non-coding transcript variant (1).
Genome position (GRCh38, 1-based): chr10:87,814,506, A>C on the plus strand (T>G on the coding strand, the complement: ATAD1 is on the minus strand). VCF-style: chr10-87814506-A-C. GRCh37 (hg19) VCF-style: chr10-89574263-A-C.
Other names: c.94T>G, p.Phe32Val (NM_001321968.2, NM_032810.4); c.-354T>G (NM_001321969.2); short protein forms F32V.
Identifiers: ClinVar variation 1478533 (VCV001478533.4), dbSNP rs1488159734, ClinGen allele CA377783637.

ClinVar aggregate classification (germline): Uncertain significance (1 of 4 stars; one submission).

Allele frequency attached by ClinVar (database versions not stated): gnomAD exomes below 0.00001; gnomAD 0.00001; TOPMed 0.00001.
gnomAD v4.1: 11 of 1,611,718 alleles (0.00068%); highest among the groups gnomAD compares: Admixed American, 0.0017%; no homozygotes.

Submission:

Labcorp Genetics (formerly Invitae), Labcorp
Classification: Uncertain significance. Last evaluated: 2021-05-19. Review status: criteria provided, single submitter. Criteria: Invitae Variant Classification Sherloc (09022015). Collection method: clinical testing. Allele origin: germline.
Comment: In summary, the available evidence is currently insufficient to determine the role of this variant in disease. Therefore, it has been classified as a Variant of Uncertain Significance. Algorithms developed to predict the effect of missense changes on protein structure and function are either unavailable or do not agree on the potential impact of this missense change (SIFT: "Not Available"; PolyPhen-2: "Benign"; Align-GVGD: "Not Available"). This variant has not been reported in the literature in individuals with ATAD1-related conditions. This variant is not present in population databases (ExAC no frequency). This sequence change replaces phenylalanine with valine at codon 32 of the ATAD1 protein (p.Phe32Val). The phenylalanine residue is moderately conserved and there is a small physicochemical difference between phenylalanine and valine.